The following is an entry in ClinVar:

ClinVar aggregate classification (germline): Uncertain significance (1 of 4 stars; one submission).

Allele frequency attached by ClinVar (database versions not stated): gnomAD exomes below 0.00001.
gnomAD v4.1: 4 of 1,614,206 alleles (0.00025%); highest among the groups gnomAD compares: Middle Eastern, 0.033%; no homozygotes.

Submission:

Labcorp Genetics (formerly Invitae), Labcorp
Classification: Uncertain significance. Last evaluated: 2021-12-20. Review status: criteria provided, single submitter. Criteria: Invitae Variant Classification Sherloc (09022015). Collection method: clinical testing. Allele origin: germline.
Comment: In summary, the available evidence is currently insufficient to determine the role of this variant in disease. Therefore, it has been classified as a Variant of Uncertain Significance. Algorithms developed to predict the effect of missense changes on protein structure and function (SIFT, PolyPhen-2, Align-GVGD) all suggest that this variant is likely to be tolerated. This variant has not been reported in the literature in individuals affected with HK1-related conditions. This variant is present in population databases (no rsID available, gnomAD no frequency). This sequence change replaces glutamic acid, which is acidic and polar, with lysine, which is basic and polar, at codon 731 of the HK1 protein (p.Glu731Lys).

NM_000188.3(HK1):c.2191G>A (p.Glu731Lys)

Gene: HK1 (hexokinase 1; plus strand). Cytogenetic location: 10q22.1.
Variant type: single nucleotide variant.
Coding change: c.2191G>A on transcript NM_000188.3 (MANE Select); coding-DNA position 2191, G replaced by A.
Protein change: p.Glu731Lys; replaces glutamic acid 731 with lysine.
Molecular consequence: missense variant.
Genome position (GRCh38, 1-based): chr10:69,392,280, G>A. VCF-style: chr10-69392280-G-A. GRCh37 (hg19) VCF-style: chr10-71152036-G-A.
Other names: c.2203G>A, p.Glu735Lys (NM_001322364.2, NM_001358263.1, NM_033497.3 and 1 more transcripts); c.2296G>A, p.Glu766Lys (NM_001322365.2); c.2107G>A, p.Glu703Lys (NM_001322366.1); c.2095G>A, p.Glu699Lys (NM_001322367.1); c.2188G>A, p.Glu730Lys (NM_033496.3); c.2155G>A, p.Glu719Lys (NM_033500.2); short protein forms E719K, E730K, E735K, E699K, E703K, E731K, E766K.
Identifiers: ClinVar variation 1963468 (VCV001963468.5), dbSNP rs1424205690, ClinGen allele CA376914883.